The following is an entry in ClinVar:

ClinVar aggregate classification (germline): Uncertain significance (1 of 4 stars; one submission).

Submission:

Labcorp Genetics (formerly Invitae), Labcorp
Classification: Uncertain significance. Last evaluated: 2023-08-20. Review status: criteria provided, single submitter. Criteria: Invitae Variant Classification Sherloc (09022015). Collection method: clinical testing. Allele origin: germline.
Comment: This sequence change replaces glutamic acid, which is acidic and polar, with lysine, which is basic and polar, at codon 1511 of the CACNA1D protein (p.Glu1511Lys). This variant is not present in population databases (gnomAD no frequency). This variant has not been reported in the literature in individuals affected with CACNA1D-related conditions. Advanced modeling of protein sequence and biophysical properties (such as structural, functional, and spatial information, amino acid conservation, physicochemical variation, residue mobility, and thermodynamic stability) performed at Invitae indicates that this missense variant is expected to disrupt CACNA1D protein function. In summary, the available evidence is currently insufficient to determine the role of this variant in disease. Therefore, it has been classified as a Variant of Uncertain Significance.

NM_001128840.3(CACNA1D):c.4471G>A (p.Glu1491Lys)

Gene: CACNA1D (calcium voltage-gated channel subunit alpha1 D; plus strand). Cytogenetic location: 3p21.1.
Variant type: single nucleotide variant.
Coding change: c.4471G>A on transcript NM_001128840.3 (MANE Select); coding-DNA position 4471, G replaced by A.
Protein change: p.Glu1491Lys; replaces glutamic acid 1491 with lysine.
Molecular consequence: missense variant.
Genome position (GRCh38, 1-based): chr3:53,776,711, G>A. VCF-style: chr3-53776711-G-A. GRCh37 (hg19) VCF-style: chr3-53810738-G-A.
Other names: c.4531G>A, p.Glu1511Lys (NM_000720.4); c.4426G>A, p.Glu1476Lys (NM_001128839.3); short protein forms E1491K, E1476K, E1511K.
Identifiers: ClinVar variation 2837870 (VCV002837870.3), dbSNP rs992756276, ClinGen allele CA74848903.
Genomic context (GRCh38, chr3:53,776,711, plus strand): 5'-ACCCGGGACTGGTCTATTTTGGGGCCTCACCATTTAGATGAATTCAAAAGAATATGGTCA[G>A]AATATGACCCTGAGGCAAAGTAGGTTGAAAAATATTTGATTTGGCGTGTGTGGGTGGATT-3'
Protein context (NP_001122312.1, residues 1481-1501): HLDEFKRIWS[Glu1491Lys]YDPEAKGRIK